The following is an entry in ClinVar:

ClinVar aggregate classification (germline): Pathogenic/Likely pathogenic. Review status: criteria provided, multiple submitters, no conflicts (2 of 4 stars). 3 submissions from 3 submitters: Pathogenic (2); Likely pathogenic (1). Last evaluated 2024-06-24.

Conditions:
Cardioencephalomyopathy, fatal infantile, due to cytochrome c oxidase deficiency 1 (MC4DN2). Also called: CYTOCHROME c OXIDASE DEFICIENCY, FATAL INFANTILE, WITH CARDIOENCEPHALOMYOPATHY; MITOCHONDRIAL COMPLEX IV DEFICIENCY, NUCLEAR TYPE 2. Identifiers: Orphanet 1561, MedGen C5399977, MONDO:0011451, OMIM 604377.
Myopia 6 (MYP6). Identifiers: MedGen C1837148, MONDO:0012154, OMIM 608908.

Allele frequency attached by ClinVar (database versions not stated): gnomAD exomes below 0.00001; ExAC 0.00001; gnomAD 0.00001; TOPMed 0.00001.
gnomAD v4.1: 6 of 1,613,974 alleles (0.00037%); highest among the groups gnomAD compares: East Asian, 0.013%; no homozygotes.

Submissions (3):

Labcorp Genetics (formerly Invitae), Labcorp
Classification: Pathogenic. Last evaluated: 2024-06-24. Review status: criteria provided, single submitter. Criteria: Invitae Variant Classification Sherloc (09022015). Collection method: clinical testing. Allele origin: germline.
Comment: This sequence change creates a premature translational stop signal (p.Gln182*) in the SCO2 gene. While this is not anticipated to result in nonsense mediated decay, it is expected to disrupt the last 85 amino acid(s) of the SCO2 protein. This variant is present in population databases (rs200354211, gnomAD 0.01%). This premature translational stop signal has been observed in individual(s) with clinical features of SCO2-related conditions (PMID: 35094435). ClinVar contains an entry for this variant (Variation ID: 2130639). This variant disrupts a region of the SCO2 protein in which other variant(s) (p.Gly193Ser) have been determined to be pathogenic (PMID: 19353847, 29193756, 32600061). This suggests that this is a clinically significant region of the protein, and that variants that disrupt it are likely to be disease-causing. For these reasons, this variant has been classified as Pathogenic.

Baylor Genetics
Classification: Pathogenic for Cardioencephalomyopathy, fatal infantile, due to cytochrome c oxidase deficiency 1. Last evaluated: 2024-02-28. Review status: criteria provided, single submitter. Criteria: ACMG Guidelines, 2015. Collection method: clinical testing. Allele origin: unknown.

Juno Genomics, Hangzhou Juno Genomics, Inc
Classification: Likely pathogenic for Cardioencephalomyopathy, fatal infantile, due to cytochrome c oxidase deficiency 1; Myopia 6. Review status: criteria provided, single submitter. Criteria: ACMG Guidelines, 2015. Collection method: clinical testing. Allele origin: germline.
Comment: Absent from controls (or at extremely low frequency if recessive) in Genome Aggregation Database.;Null variant in a gene where loss of function (LOF) is a known mechanism of disease.;For recessive disorders, detected in trans with a pathogenic variant.;Patient's phenotype or family history is highly specific for a disease with a single genetic etiology.

Literature cited by the submitters: PubMed 35094435 (cited by Labcorp Genetics (formerly Invitae), Labcorp); PubMed 19353847 (cited by Labcorp Genetics (formerly Invitae), Labcorp); PubMed 29193756 (cited by Labcorp Genetics (formerly Invitae), Labcorp); PubMed 32600061 (cited by Labcorp Genetics (formerly Invitae), Labcorp).

NM_005138.3(SCO2):c.544C>T (p.Gln182Ter)

Genes: NCAPH2 (non-SMC condensin II complex subunit H2; plus strand), SCO2 (synthesis of cytochrome C oxidase 2; minus strand). Cytogenetic location: 22q13.33.
Variant type: single nucleotide variant.
Coding change: c.544C>T on transcript NM_005138.3 (MANE Select); coding-DNA position 544, C replaced by T.
Protein change: p.Gln182Ter; replaces glutamine 182 with a stop codon.
Molecular consequence: nonsense. On other transcripts: 3 prime UTR variant (2).
Genome position (GRCh38, 1-based): chr22:50,523,868, G>A on the plus strand (C>T on the coding strand, the complement: SCO2 is on the minus strand). VCF-style: chr22-50523868-G-A. GRCh37 (hg19) VCF-style: chr22-50962297-G-A.
Other names: c.*493G>A (NM_001185011.2, NM_152299.4); c.544C>T, p.Gln182Ter (NM_001169109.2, NM_001169110.1, NM_001169111.2); short protein forms Q182*.
Identifiers: ClinVar variation 2130639 (VCV002130639.8), dbSNP rs200354211, ClinGen allele CA10321174.